The following is an entry in ClinVar:

ClinVar aggregate classification (germline): Uncertain significance (1 of 4 stars; one submission).

Submission:

Labcorp Genetics (formerly Invitae), Labcorp
Classification: Uncertain significance. Last evaluated: 2024-10-13. Review status: criteria provided, single submitter. Criteria: Invitae Variant Classification Sherloc (09022015). Collection method: clinical testing. Allele origin: germline.
Comment: This sequence change replaces arginine, which is basic and polar, with tryptophan, which is neutral and slightly polar, at codon 175 of the CCNQ protein (p.Arg175Trp). The frequency data for this variant in the population databases is considered unreliable, as metrics indicate poor data quality at this position in the gnomAD database. This variant has not been reported in the literature in individuals affected with CCNQ-related conditions. Experimental studies and prediction algorithms are not available or were not evaluated, and the functional significance of this variant is currently unknown. In summary, the available evidence is currently insufficient to determine the role of this variant in disease. Therefore, it has been classified as a Variant of Uncertain Significance.

NM_152274.5(CCNQ):c.523C>T (p.Arg175Trp)

Gene: CCNQ (cyclin Q; minus strand). Cytogenetic location: Xq28.
Variant type: single nucleotide variant.
Coding change: c.523C>T on transcript NM_152274.5 (MANE Select); coding-DNA position 523, C replaced by T.
Protein change: p.Arg175Trp; replaces arginine 175 with tryptophan.
Molecular consequence: missense variant.
Genome position (GRCh38, 1-based): chrX:153,592,640, G>A on the plus strand (C>T on the coding strand, the complement: CCNQ is on the minus strand). VCF-style: chrX-153592640-G-A. GRCh37 (hg19) VCF-style: chrX-152858098-G-A.
Other names: c.523C>T, p.Arg175Trp (NM_001130997.3); short protein forms R175W.
Identifiers: ClinVar variation 3605596 (VCV003605596.2).
Genomic context (GRCh38, chrX:153,592,640, plus strand): 5'-CCGCCACGGCGATGTGCTGGGCCTGGAAGCGGAGGCACAGCGCCCCATGGTAGCTGTCCC[G>A]CAGCAGGGCCCAGGCGGTGACGGCAACAGGGGTCCGCTGCCAGCTGTGGCGGTTCAGCCA-3'
Protein context (NP_689487.2, residues 165-185): PVAVTAWALL[Arg175Trp]DSYHGALCLR